The following is an entry in ClinVar:

NM_000035.4(ALDOB):c.1093T>C (p.Ter365Gln)

Gene: ALDOB (aldolase, fructose-bisphosphate B; minus strand). Cytogenetic location: 9q31.1.
Variant type: single nucleotide variant.
Coding change: c.1093T>C on transcript NM_000035.4 (MANE Select); coding-DNA position 1093, T replaced by C.
Protein change: p.Ter365Gln.
Molecular consequence: stop lost.
Genome position (GRCh38, 1-based): chr9:101,421,811, A>G on the plus strand (T>C on the coding strand, the complement: ALDOB is on the minus strand). VCF-style: chr9-101421811-A-G. GRCh37 (hg19) VCF-style: chr9-104184093-A-G.
Identifiers: ClinVar variation 5003335 (VCV005003335.1).

ClinVar aggregate classification (germline): Uncertain significance (1 of 4 stars; one submission).

Conditions:
Hereditary fructosuria. Also called: ALDOB DEFICIENCY; ALDOLASE B DEFICIENCY; FRUCTOSE-1,6-BISPHOSPHATE ALDOLASE B DEFICIENCY; FRUCTOSE-1-PHOSPHATE ALDOLASE DEFICIENCY; FRUCTOSEMIA; Fructose intolerance. Identifiers: Orphanet 469, MedGen C0016751, MONDO:0009249, OMIM 229600, HP:0005973. Disease mechanism: loss of function.

Submission:

Myriad Genetics, Inc.
Classification: Uncertain significance for Hereditary fructosuria. Last evaluated: 2026-02-19. Review status: criteria provided, single submitter. Criteria: Myriad Autosomal Dominant, Autosomal Recessive and X-Linked Classification Criteria (2023). Collection method: clinical testing. Allele origin: unknown.
Comment: NM_000035.3(ALDOB):c.1093T>C(*365Qext*42) is a stop-loss variant classified as a variant of uncertain significance in the context of hereditary fructose intolerance. *365Qext*42 has not been observed in cases with relevant disease. Relevant functional assessments of this variant are not available in the literature. *365Qext*42 has not been observed in referenced population frequency databases. In summary, there is insufficient evidence to classify NM_000035.3(ALDOB):c.1093T>C(*365Qext*42) as pathogenic or benign. Please note: this variant was assessed in the context of healthy population screening.